The following is an entry in ClinVar:

NM_002890.3(RASA1):c.1504_1505delinsTT (p.Ala502Phe)

Genes: CCNH (cyclin H; minus strand), RASA1 (RAS p21 protein activator 1; plus strand). Cytogenetic location: 5q14.3.
Variant type: Indel.
Coding change: c.1504_1505delinsTT on transcript NM_002890.3 (MANE Select); coding-DNA positions 1504 to 1505, GC replaced by TT.
Protein change: p.Ala502Phe; replaces alanine 502 with phenylalanine.
Molecular consequence: missense variant. On other transcripts: intron variant (1).
Genome position (GRCh38, 1-based): chr5:87,363,398-87,363,399, GC replaced by TT. VCF-style: chr5-87363398-GC-TT. GRCh37 (hg19) VCF-style: chr5-86659215-GC-TT.
Other names: c.973_974delinsTT, p.Ala325Phe (NM_022650.3); c.933+31645_933+31646delinsAA (NM_001364075.2); short protein forms A325F, A502F.
Identifiers: ClinVar variation 1437771 (VCV001437771.6), dbSNP rs2112459571, ClinGen allele CA2573140079.

ClinVar aggregate classification (germline): Uncertain significance (1 of 4 stars; one submission).

Conditions:
Capillary malformation-arteriovenous malformation syndrome. Also called: Capillary malformation-arteriovenous malformation. Identifiers: Orphanet 137667, MedGen C1842180, MONDO:0012016.

Submission:

Labcorp Genetics (formerly Invitae), Labcorp
Classification: Uncertain significance for Capillary malformation-arteriovenous malformation syndrome. Last evaluated: 2025-12-31. Review status: criteria provided, single submitter. Criteria: Invitae Variant Classification Sherloc (09022015). Collection method: clinical testing. Allele origin: germline.
Comment: This sequence change replaces alanine, which is neutral and non-polar, with phenylalanine, which is neutral and non-polar, at codon 502 of the RASA1 protein (p.Ala502Phe). This variant is present in population databases (no rsID available, gnomAD 0.02%), including at least one homozygous and/or hemizygous individual. This variant has not been reported in the literature in individuals affected with RASA1-related conditions. ClinVar contains an entry for this variant (Variation ID: 1437771). An algorithm developed to predict the effect of missense changes on protein structure and function (PolyPhen-2) suggests that this variant is likely to be disruptive. In summary, the available evidence is currently insufficient to determine the role of this variant in disease. Therefore, it has been classified as a Variant of Uncertain Significance.